The following is an entry in ClinVar:

NM_000051.4(ATM):c.4522del (p.Tyr1508fs)

Gene: ATM (ATM serine/threonine kinase; plus strand). Cytogenetic location: 11q22.3.
Variant type: Deletion.
Coding change: c.4522del on transcript NM_000051.4 (MANE Select); coding-DNA position 4522, one base deleted (T; older notation c.4522delT).
Protein change: p.Tyr1508fs; shifts the reading frame from tyrosine 1508.
Molecular consequence: frameshift variant.
Genome position (GRCh38, 1-based): chr11:108,292,704, T deleted; the last of 2 consecutive T bases (chr11:108,292,703-108,292,704); deleting either gives the same sequence. VCF-style (leftmost placement, unchanged base first): chr11-108292702-CT-C. GRCh37 (hg19) VCF-style: chr11-108163429-CT-C.
Other names: c.4522del, p.Tyr1508fs (NM_001351834.2); short protein forms Y1508fs.
Identifiers: ClinVar variation 4843926 (VCV004843926.1).

ClinVar aggregate classification (germline): Pathogenic (1 of 4 stars; one submission).

Conditions:
Hereditary cancer-predisposing syndrome. Also called: Neoplastic Syndromes, Hereditary; Tumor predisposition; Hereditary Cancer Syndrome; Hereditary neoplastic syndrome. Identifiers: Orphanet 140162, MedGen C0027672, MeSH D009386, MONDO:0015356.

Submission:

Ambry Genetics
Classification: Pathogenic for Hereditary cancer-predisposing syndrome. Last evaluated: 2026-01-13. Review status: criteria provided, single submitter. Criteria: Ambry Variant Classification Scheme 2023. Collection method: clinical testing. Allele origin: germline.
Comment: The c.4522delT pathogenic mutation, located in coding exon 29 of the ATM gene, results from a deletion of one nucleotide at nucleotide position 4522, causing a translational frameshift with a predicted alternate stop codon (p.Y1508Tfs*6). This variant is considered to be rare based on population cohorts in the Genome Aggregation Database (gnomAD). This alteration is expected to result in loss of function by premature protein truncation or nonsense-mediated mRNA decay. As such, this alteration is interpreted as a disease-causing mutation.